The following is an entry in ClinVar:

NM_017636.4(TRPM4):c.3224T>C (p.Leu1075Pro)

Gene: TRPM4 (transient receptor potential cation channel subfamily M member 4; plus strand). Cytogenetic location: 19q13.33.
Variant type: single nucleotide variant.
Coding change: c.3224T>C on transcript NM_017636.4 (MANE Select); coding-DNA position 3224, T replaced by C.
Protein change: p.Leu1075Pro; replaces leucine 1075 with proline.
Molecular consequence: missense variant.
Genome position (GRCh38, 1-based): chr19:49,210,301, T>C. VCF-style: chr19-49210301-T-C. GRCh37 (hg19) VCF-style: chr19-49713558-T-C.
Other names: c.2789T>C, p.Leu930Pro (NM_001195227.2); c.2879T>C, p.Leu960Pro (NM_001321281.2); c.1616T>C, p.Leu539Pro (NM_001321282.2); c.2702T>C, p.Leu901Pro (NM_001321283.2); c.2162T>C, p.Leu721Pro (NM_001321285.2); short protein forms L901P, L1075P, L721P, L930P, L539P, L960P.
Identifiers: ClinVar variation 859805 (VCV000859805.14), dbSNP rs144421653, ClinGen allele CA9569820.

ClinVar aggregate classification (germline): Conflicting classifications of pathogenicity. Review status: criteria provided, conflicting classifications (1 of 4 stars). 4 submissions from 4 submitters: Uncertain significance (3); Likely benign (1). Last evaluated 2025-12-24.

Conditions:
Cardiovascular phenotype. Identifiers: MedGen CN230736.
Progressive familial heart block type IB (PFHB1B). Identifiers: Orphanet 871, MedGen C1970298, MONDO:0011474, OMIM 604559.

Allele frequency attached by ClinVar (database versions not stated): TOPMed 0.00006; ExAC 0.00012; gnomAD 0.00014 and 0.00016.
gnomAD v4.1: 228 of 1,614,104 alleles (0.014%); highest among the groups gnomAD compares: Non-Finnish European, 0.018%; no homozygotes.

Submissions (4):

Ambry Genetics
Classification: Uncertain significance for Cardiovascular phenotype. Last evaluated: 2025-12-24. Review status: criteria provided, single submitter. Criteria: Ambry Variant Classification Scheme 2023. Collection method: clinical testing. Allele origin: germline.

Labcorp Genetics (formerly Invitae), Labcorp
Classification: Uncertain significance for Progressive familial heart block type IB. Last evaluated: 2025-12-15. Review status: criteria provided, single submitter. Criteria: Invitae Variant Classification Sherloc (09022015). Collection method: clinical testing. Allele origin: germline.
Comment: This sequence change replaces leucine, which is neutral and non-polar, with proline, which is neutral and non-polar, at codon 1075 of the TRPM4 protein (p.Leu1075Pro). This variant is present in population databases (rs144421653, gnomAD 0.02%). This missense change has been observed in individual(s) with Brugada syndrome (PMID: 23382873). ClinVar contains an entry for this variant (Variation ID: 859805). An algorithm developed to predict the effect of missense changes on protein structure and function (PolyPhen-2) suggests that this variant is likely to be disruptive. Experimental studies have shown that this missense change does not substantially affect TRPM4 function (PMID: 23382873). In summary, the available evidence is currently insufficient to determine the role of this variant in disease. Therefore, it has been classified as a Variant of Uncertain Significance.

Blueprint Genetics
Classification: Likely benign. Last evaluated: 2024-11-04. Review status: criteria provided, single submitter. Criteria: ACMG Guidelines, 2015. Collection method: clinical testing. Allele origin: germline.

GeneDx
Classification: Uncertain significance. Last evaluated: 2024-09-09. Review status: criteria provided, single submitter. Criteria: GeneDx Variant Classification Process June 2021. Collection method: clinical testing. Allele origin: germline. Affected: yes.
Comment: In silico analysis supports that this missense variant has a deleterious effect on protein structure/function; This variant is associated with the following publications: (PMID: 24721656, 25441424, 26272755, 30662450, 30821013, 33959666, 35205305, 37128952, 37511555, 35056097, 23382873, 30615648)

Literature cited by the submitters: PubMed 23382873 (cited by Labcorp Genetics (formerly Invitae), Labcorp).